The following is an entry in ClinVar:

ClinVar aggregate classification (germline): Uncertain significance (1 of 4 stars; one submission).

gnomAD v4.1: 6 of 1,614,002 alleles (0.00037%); highest among the groups gnomAD compares: Non-Finnish European, 0.00051%; no homozygotes.

Submission:

Mayo Clinic Laboratories, Mayo Clinic
Classification: Uncertain significance. Last evaluated: 2024-06-11. Review status: criteria provided, single submitter. Criteria: ACMG Guidelines, 2015. Collection method: clinical testing. Allele origin: germline. Observed: 1 variant allele.
Comment: PP3

NM_001267550.2(TTN):c.30140T>C (p.Ile10047Thr)

Gene: TTN (titin; minus strand). Cytogenetic location: 2q31.2.
Variant type: single nucleotide variant.
Coding change: c.30140T>C on transcript NM_001267550.2 (MANE Select); coding-DNA position 30140, T replaced by C.
Protein change: p.Ile10047Thr; replaces isoleucine 10047 with threonine.
Molecular consequence: missense variant. On other transcripts: intron variant (3).
Genome position (GRCh38, 1-based): chr2:178,704,230, A>G on the plus strand (T>C on the coding strand, the complement: TTN is on the minus strand). VCF-style: chr2-178704230-A-G. GRCh37 (hg19) VCF-style: chr2-179568957-A-G.
Other names: p.Ile9730Thr; c.29189T>C, p.Ile9730Thr (NM_001256850.1); c.26408T>C, p.Ile8803Thr (NM_133378.4); c.13282+33852T>C (NM_003319.4); c.13858+33852T>C (NM_133437.4); c.13657+33852T>C (NM_133432.3); short protein forms I10047T, I8803T, I9730T.
Identifiers: ClinVar variation 3380894 (VCV003380894.1).